The following is an entry in ClinVar:

ClinVar aggregate classification (germline): Uncertain significance (0 of 4 stars; one submission).

Conditions:
UCP3-related disorder. Also called: UCP3-related condition.

Submission:

PreventionGenetics, part of Exact Sciences
Classification: Uncertain significance for UCP3-related condition. Last evaluated: 2024-05-10. Review status: no assertion criteria provided. Collection method: clinical testing. Allele origin: germline.
Comment: The UCP3 c.418G>C variant is predicted to result in the amino acid substitution p.Val140Leu. To our knowledge, this variant has not been reported in the literature or in a large population database, indicating this variant is rare. At this time, the clinical significance of this variant is uncertain due to the absence of conclusive functional and genetic evidence.

NM_003356.4(UCP3):c.418G>C (p.Val140Leu)

Gene: UCP3 (uncoupling protein 3; minus strand). Cytogenetic location: 11q13.4.
Variant type: single nucleotide variant.
Coding change: c.418G>C on transcript NM_003356.4 (MANE Select); coding-DNA position 418, G replaced by C.
Protein change: p.Val140Leu; replaces valine 140 with leucine.
Molecular consequence: missense variant.
Genome position (GRCh38, 1-based): chr11:74,005,853, C>G on the plus strand (G>C on the coding strand, the complement: UCP3 is on the minus strand). VCF-style: chr11-74005853-C-G. GRCh37 (hg19) VCF-style: chr11-73716898-C-G.
Other names: c.418G>C, p.Val140Leu (NM_022803.3); short protein forms V140L.
Identifiers: ClinVar variation 3357943 (VCV003357943.1).